The following is an entry in ClinVar:

ClinVar aggregate classification (germline): Pathogenic (1 of 4 stars; one submission).

Conditions:
Peutz-Jeghers syndrome (PJS). Also called: POLYPOSIS, HAMARTOMATOUS INTESTINAL; POLYPS-AND-SPOTS SYNDROME; Peutz-Jeghers polyposis; Periorificial lentiginosis syndrome. Identifiers: Orphanet 2869, MedGen C0031269, MeSH D010580, MONDO:0008280, OMIM 175200.

Submission:

Labcorp Genetics (formerly Invitae), Labcorp
Classification: Pathogenic for Peutz-Jeghers syndrome. Last evaluated: 2023-04-03. Review status: criteria provided, single submitter. Criteria: Invitae Variant Classification Sherloc (09022015). Collection method: clinical testing. Allele origin: unknown.
Comment: For these reasons, this variant has been classified as Pathogenic. A similar copy number variant has been observed in individual(s) with Peutz-Jeghers syndrome (PJS) (PMID: 21520333). This variant is a gross deletion of the genomic region encompassing exon(s) 2-8 of the STK11 gene. This deletion is out-of-frame, and is expected to create a premature termination codon and result in an absent or disrupted protein product. Loss-of-function variants in STK11 are known to be pathogenic (PMID: 15188174, 16287113).

Literature cited by the submitters: PubMed 21520333; PubMed 15188174; PubMed 16287113.

NC_000019.10:g.(?_1218407)_(1223182_?)del

Gene: STK11 (serine/threonine kinase 11; plus strand). Cytogenetic location: 19p13.3.
Variant type: Deletion.
Identifiers: ClinVar variation 3248409 (VCV003248409.1).